The following is an entry in ClinVar:

ClinVar aggregate classification (germline): Uncertain significance (1 of 4 stars; one submission).

Conditions:
Early-infantile DEE. Also called: Ohtahara syndrome; Early infantile epileptic encephalopathy with suppression bursts; Early infantile epileptic encephalopathy. Identifiers: Orphanet 1934, MedGen C0393706, MONDO:0800491.

Submission:

Labcorp Genetics (formerly Invitae), Labcorp
Classification: Uncertain significance for Early-infantile DEE. Last evaluated: 2023-11-06. Review status: criteria provided, single submitter. Criteria: Invitae Variant Classification Sherloc (09022015). Collection method: clinical testing. Allele origin: germline.
Comment: This sequence change creates a premature translational stop signal (p.Trp735*) in the ARHGEF15 gene. It is expected to result in an absent or disrupted protein product. However, the current clinical and genetic evidence is not sufficient to establish whether loss-of-function variants in ARHGEF15 cause disease. This variant is not present in population databases (gnomAD no frequency). This variant has not been reported in the literature in individuals affected with ARHGEF15-related conditions. ClinVar contains an entry for this variant (Variation ID: 1043626). Algorithms developed to predict the effect of sequence changes on RNA splicing suggest that this variant may disrupt the consensus splice site. In summary, the available evidence is currently insufficient to determine the role of this variant in disease. Therefore, it has been classified as a Variant of Uncertain Significance.

NM_173728.4(ARHGEF15):c.2204G>A (p.Trp735Ter)

Gene: ARHGEF15 (Rho guanine nucleotide exchange factor 15; plus strand). Cytogenetic location: 17p13.1.
Variant type: single nucleotide variant.
Coding change: c.2204G>A on transcript NM_173728.4 (MANE Select); coding-DNA position 2204, G replaced by A.
Protein change: p.Trp735Ter; replaces tryptophan 735 with a stop codon.
Molecular consequence: nonsense.
Genome position (GRCh38, 1-based): chr17:8,319,329, G>A. VCF-style: chr17-8319329-G-A. GRCh37 (hg19) VCF-style: chr17-8222647-G-A.
Other names: c.2204G>A, p.Trp735Ter (NM_025014.2); short protein forms W735*.
Identifiers: ClinVar variation 1043626 (VCV001043626.7), dbSNP rs1905226930, ClinGen allele CA398025518.